The following is an entry in ClinVar:

NM_000113.3(TOR1A):c.824A>G (p.Lys275Arg)

Gene: TOR1A (torsin family 1 member A; minus strand). Cytogenetic location: 9q34.11.
Variant type: single nucleotide variant.
Coding change: c.824A>G on transcript NM_000113.3 (MANE Select); coding-DNA position 824, A replaced by G.
Protein change: p.Lys275Arg; replaces lysine 275 with arginine.
Molecular consequence: missense variant.
Genome position (GRCh38, 1-based): chr9:129,814,147, T>C on the plus strand (A>G on the coding strand, the complement: TOR1A is on the minus strand). VCF-style: chr9-129814147-T-C. GRCh37 (hg19) VCF-style: chr9-132576426-T-C.
Other names: short protein forms K275R.
Identifiers: ClinVar variation 3371980 (VCV003371980.1).
Genomic context (GRCh38, chr9:129,814,147, plus strand): 5'-TCTTCATCAATTTCATAGCCTCGGGACTGCATTTCCACTCGGATACACATTTTTAGGTGT[T>C]TGTATTCCAGGGGGAGGAAGGGAACAAAATAATCAATGAGGTTCCGGTCAATTAAGCTGC-3'
Protein context (NP_000104.1, residues 265-285): YFVPFLPLEY[Lys275Arg]HLKMCIRVEM

ClinVar aggregate classification (germline): Uncertain significance (1 of 4 stars; one submission).

gnomAD v4.1: 1 of 1,614,166 alleles (0.000062%); no homozygotes.

Submission:

GeneDx
Classification: Uncertain significance. Last evaluated: 2024-04-03. Review status: criteria provided, single submitter. Criteria: GeneDx Variant Classification Process June 2021. Collection method: clinical testing. Allele origin: germline. Affected: yes.
Comment: Not observed at significant frequency in large population cohorts (gnomAD); In silico analysis supports that this missense variant does not alter protein structure/function; Has not been previously published as pathogenic or benign to our knowledge; In silico analysis suggests this variant may impact gene splicing. In the absence of RNA/functional studies, the actual effect of this sequence change is unknown.